The following is an entry in ClinVar:

NM_004287.5(GOSR2):c.393G>T (p.Gln131His)

Genes: LRRC37A2 (leucine rich repeat containing 37 member A2), GOSR2 (golgi SNAP receptor complex member 2; plus strand). Cytogenetic location: 17q21.32.
Variant type: single nucleotide variant.
Coding change: c.393G>T on transcript NM_004287.5 (MANE Select); coding-DNA position 393, G replaced by T.
Protein change: p.Gln131His; replaces glutamine 131 with histidine.
Molecular consequence: missense variant. On other transcripts: non-coding transcript variant (1), intron variant (4).
Genome position (GRCh38, 1-based): chr17:46,935,085, G>T. VCF-style: chr17-46935085-G-T. GRCh37 (hg19) VCF-style: chr17-45012451-G-T.
Other names: c.393G>T, p.Gln131His (NM_001012511.3, NM_001321133.2, NM_054022.4); c.390G>T, p.Gln130His (NM_001353114.2); c.339G>T, p.Gln113His (NM_001363851.2); c.282+2886G>T (NM_001321134.2); c.336+2886G>T (NM_001330252.2); c.333+2886G>T (NM_001353115.2, NM_001353116.2); short protein forms Q131H, Q113H, Q130H.
Identifiers: ClinVar variation 947451 (VCV000947451.12), dbSNP rs182039780, ClinGen allele CA8621289.

ClinVar aggregate classification (germline): Conflicting classifications of pathogenicity. Review status: criteria provided, conflicting classifications (1 of 4 stars). 4 submissions from 4 submitters: Uncertain significance (2); Likely benign (2). Last evaluated 2026-06-01.

Conditions:
Progressive myoclonic epilepsy. Also called: Myoclonic Epilepsies, Progressive; Familial progressive myoclonic epilepsy; Myoclonus epilepsy; Progressive myoclonus epilepsy. Identifiers: Orphanet 308, Orphanet 98261, MedGen C0751778, MONDO:0020074.
Inborn genetic diseases. Identifiers: MedGen C0950123, MeSH D030342.

Allele frequency attached by ClinVar (database versions not stated): gnomAD 0.00009 and 0.00006; TOPMed 0.00011; 1000 Genomes Project 30x 0.00062; ExAC 0.00011; gnomAD exomes 0.00010 and 0.00003; 1000 Genomes Project 0.00060.
gnomAD v4.1: 59 of 1,613,200 alleles (0.0037%); highest among the groups gnomAD compares: East Asian, 0.12%; no homozygotes.

Submissions (4):

Ambry Genetics
Classification: Likely benign for Inborn genetic diseases. Last evaluated: 2026-06-01. Review status: criteria provided, single submitter. Criteria: Ambry Variant Classification Scheme 2023. Collection method: clinical testing. Allele origin: germline.

GeneDx
Classification: Uncertain significance. Last evaluated: 2025-05-02. Review status: criteria provided, single submitter. Criteria: GeneDx Variant Classification Process June 2021. Collection method: clinical testing. Allele origin: germline. Affected: yes.
Comment: In silico analysis suggests that this missense variant does not alter protein structure/function; Has not been previously published as pathogenic or benign to our knowledge

ARUP Laboratories, Molecular Genetics and Genomics, ARUP Laboratories
Classification: Likely benign. Last evaluated: 2024-05-14. Review status: criteria provided, single submitter. Criteria: ARUP Molecular Germline Variant Investigation Process 2024. Collection method: clinical testing. Allele origin: germline.

Labcorp Genetics (formerly Invitae), Labcorp
Classification: Uncertain significance for Progressive myoclonic epilepsy. Last evaluated: 2022-08-23. Review status: criteria provided, single submitter. Criteria: Invitae Variant Classification Sherloc (09022015). Collection method: clinical testing. Allele origin: germline.
Comment: This sequence change replaces glutamine, which is neutral and polar, with histidine, which is basic and polar, at codon 131 of the GOSR2 protein (p.Gln131His). This variant is present in population databases (rs182039780, gnomAD 0.1%). This variant has not been reported in the literature in individuals affected with GOSR2-related conditions. ClinVar contains an entry for this variant (Variation ID: 947451). Algorithms developed to predict the effect of missense changes on protein structure and function output the following: SIFT: "Tolerated"; PolyPhen-2: "Possibly Damaging"; Align-GVGD: "Class C0". The histidine amino acid residue is found in multiple mammalian species, which suggests that this missense change does not adversely affect protein function. In summary, the available evidence is currently insufficient to determine the role of this variant in disease. Therefore, it has been classified as a Variant of Uncertain Significance.